The following is an entry in ClinVar:

ClinVar aggregate classification (germline): Uncertain significance (1 of 4 stars; one submission).

Conditions:
Brugada syndrome 8 (BRGDA8). Identifiers: Orphanet 130, MedGen C2751083, MONDO:0013148, OMIM 613123.

Submission:

Labcorp Genetics (formerly Invitae), Labcorp
Classification: Uncertain significance for Brugada syndrome 8. Last evaluated: 2019-11-20. Review status: criteria provided, single submitter. Criteria: Invitae Variant Classification Sherloc (09022015). Collection method: clinical testing. Allele origin: germline.
Comment: This variant, c.1995_2009del, results in the deletion of 5 amino acid(s) of the HCN4 protein (p.Arg666_Thr670del), but otherwise preserves the integrity of the reading frame. This variant is not present in population databases (ExAC no frequency). This variant has not been reported in the literature in individuals with HCN4-related conditions. Experimental studies and prediction algorithms are not available or were not evaluated, and the functional significance of this variant is currently unknown. In summary, the available evidence is currently insufficient to determine the role of this variant in disease. Therefore, it has been classified as a Variant of Uncertain Significance.

NM_005477.3(HCN4):c.1995_2009del (p.Arg666_Thr670del)

Gene: HCN4 (hyperpolarization activated cyclic nucleotide gated potassium channel 4; minus strand). Cytogenetic location: 15q24.1.
Variant type: Deletion.
Coding change: c.1995_2009del on transcript NM_005477.3 (MANE Select); coding-DNA positions 1995 to 2009, 15 bases deleted (CCGGGGCCGGCGCAC).
Protein change: p.Arg666_Thr670del.
Molecular consequence: inframe deletion.
Genome position (GRCh38, 1-based): chr15:73,324,223-73,324,237, GTGCGCCGGCCCCGG deleted on the plus strand (CCGGGGCCGGCGCAC on the coding strand, the reverse complement: HCN4 is on the minus strand); deleting any 15 consecutive bases within chr15:73,324,223-73,324,239 gives the same sequence; the c. name uses the placement nearest the transcript's 3' end. VCF-style (leftmost placement, unchanged base first): chr15-73324222-TGTGCGCCGGCCCCGG-T. GRCh37 (hg19) VCF-style: chr15-73616563-TGTGCGCCGGCCCCGG-T.
Identifiers: ClinVar variation 857612 (VCV000857612.1), dbSNP rs2042885237, ClinGen allele CA916083443.